The following is an entry in ClinVar:

ClinVar aggregate classification (germline): Conflicting classifications of pathogenicity. Review status: criteria provided, conflicting classifications (1 of 4 stars). 2 submissions from 2 submitters: Uncertain significance (1); Likely benign (1). Last evaluated 2025-11-03.

Conditions:
Rubinstein-Taybi syndrome (RSTS). Identifiers: Orphanet 783, MedGen C0035934, MONDO:0019188.
CREBBP-related disorder. Also called: CREBBP-related condition; CREBBP-related disorders.

Submissions (2):

PreventionGenetics, part of Exact Sciences
Classification: Likely benign for CREBBP-related condition. Last evaluated: 2025-11-03. Review status: criteria provided, single submitter. Criteria: ACMG Guidelines, 2015. Collection method: clinical testing. Allele origin: germline.
Comment: This variant is classified as likely benign based on ACMG/AMP sequence variant interpretation guidelines (Richards et al. 2015 PMID: 25741868, with internal and published modifications).

Labcorp Genetics (formerly Invitae), Labcorp
Classification: Uncertain significance for Rubinstein-Taybi syndrome. Last evaluated: 2025-03-11. Review status: criteria provided, single submitter. Criteria: Invitae Variant Classification Sherloc (09022015). Collection method: clinical testing. Allele origin: germline.
Comment: This sequence change falls in intron 8 of the CREBBP gene. It does not directly change the encoded amino acid sequence of the CREBBP protein. It affects a nucleotide within the consensus splice site. This variant is present in population databases (rs759630499, gnomAD 0.003%). This variant has not been reported in the literature in individuals affected with CREBBP-related conditions. Variants that disrupt the consensus splice site are a relatively common cause of aberrant splicing (PMID: 17576681, 9536098). Algorithms developed to predict the effect of sequence changes on RNA splicing suggest that this variant is not likely to affect RNA splicing. In summary, the available evidence is currently insufficient to determine the role of this variant in disease. Therefore, it has been classified as a Variant of Uncertain Significance.

Literature cited by the submitters: PubMed 17576681 (cited by Labcorp Genetics (formerly Invitae), Labcorp); PubMed 9536098 (cited by Labcorp Genetics (formerly Invitae), Labcorp).

NM_004380.3(CREBBP):c.1823+4C>T

Gene: CREBBP (CREB binding lysine acetyltransferase; minus strand). Cytogenetic location: 16p13.3.
Variant type: single nucleotide variant.
Coding change: c.1823+4C>T on transcript NM_004380.3 (MANE Select); 4 bases into the intron after coding-DNA position 1823, C replaced by T.
Molecular consequence: intron variant.
Genome position (GRCh38, 1-based): chr16:3,780,728, G>A on the plus strand (C>T on the coding strand, the complement: CREBBP is on the minus strand). VCF-style: chr16-3780728-G-A. GRCh37 (hg19) VCF-style: chr16-3830729-G-A.
Other names: c.1709+4C>T (NM_001079846.1); c.1823+4C>T (NM_004380.2).
Identifiers: ClinVar variation 4736685 (VCV004736685.2).
Genomic context (GRCh38, chr16:3,780,728, plus strand): 5'-GGTAGCCAATGGGCAACACAGGAATAAAATCAAACATCTATGAAACTGCAAAACTGTTAC[G>A]TACAGTTTATGCACTAGATGGCTCCGCAGGTCCTGAGTGACATGTTCGTGCCAGCCTTTC-3'